The following is an entry in ClinVar:

NM_004211.5(SLC6A5):c.1189G>A (p.Ala397Thr)

Gene: SLC6A5 (solute carrier family 6 member 5; plus strand). Cytogenetic location: 11p15.1.
Variant type: single nucleotide variant.
Coding change: c.1189G>A on transcript NM_004211.5 (MANE Select); coding-DNA position 1189, G replaced by A.
Protein change: p.Ala397Thr; replaces alanine 397 with threonine.
Molecular consequence: missense variant.
Genome position (GRCh38, 1-based): chr11:20,617,813, G>A. VCF-style: chr11-20617813-G-A. GRCh37 (hg19) VCF-style: chr11-20639359-G-A.
Other names: c.487G>A, p.Ala163Thr (NM_001318369.2); short protein forms A397T, A163T.
Identifiers: ClinVar variation 1402335 (VCV001402335.8), dbSNP rs1555040941, ClinGen allele CA379916368.

ClinVar aggregate classification (germline): Uncertain significance (1 of 4 stars; one submission).

Conditions:
Hyperekplexia 3 (HKPX3). Also called: HYPEREKPLEXIA 3, AUTOSOMAL RECESSIVE; HYPEREKPLEXIA 3, AUTOSOMAL DOMINANT. Identifiers: Orphanet 3197, MedGen C3553288, MONDO:0013827, OMIM 614618.

Submission:

Labcorp Genetics (formerly Invitae), Labcorp
Classification: Uncertain significance for Hyperekplexia 3. Last evaluated: 2021-07-18. Review status: criteria provided, single submitter. Criteria: Invitae Variant Classification Sherloc (09022015). Collection method: clinical testing. Allele origin: germline.
Comment: This sequence change replaces alanine with threonine at codon 397 of the SLC6A5 protein (p.Ala397Thr). The alanine residue is highly conserved and there is a small physicochemical difference between alanine and threonine. This variant is not present in population databases (ExAC no frequency). This variant has not been reported in the literature in individuals affected with SLC6A5-related conditions. Advanced modeling of protein sequence and biophysical properties (such as structural, functional, and spatial information, amino acid conservation, physicochemical variation, residue mobility, and thermodynamic stability) performed at Invitae indicates that this missense variant is not expected to disrupt SLC6A5 protein function. In summary, the available evidence is currently insufficient to determine the role of this variant in disease. Therefore, it has been classified as a Variant of Uncertain Significance.